The following is an entry in ClinVar:

NM_006231.4(POLE):c.50G>A (p.Gly17Asp)

Genes: POLE (DNA polymerase epsilon, catalytic subunit; minus strand), LOC130009266 (ATAC-STARR-seq lymphoblastoid silent region 5123; plus strand). Cytogenetic location: 12q24.33.
Variant type: single nucleotide variant.
Coding change: c.50G>A on transcript NM_006231.4 (MANE Select); coding-DNA position 50, G replaced by A.
Protein change: p.Gly17Asp; replaces glycine 17 with aspartic acid.
Molecular consequence: missense variant.
Genome position (GRCh38, 1-based): chr12:132,687,266, C>T on the plus strand (G>A on the coding strand, the complement: POLE is on the minus strand). VCF-style: chr12-132687266-C-T. GRCh37 (hg19) VCF-style: chr12-133263852-C-T.
Other names: short protein forms G17D.
Identifiers: ClinVar variation 4141226 (VCV004141226.1).

ClinVar aggregate classification (germline): Uncertain significance (1 of 4 stars; one submission).

Conditions:
Hereditary cancer-predisposing syndrome. Also called: Hereditary neoplastic syndrome; Neoplastic Syndromes, Hereditary; Tumor predisposition; Hereditary Cancer Syndrome. Identifiers: Orphanet 140162, MedGen C0027672, MeSH D009386, MONDO:0015356.

Submission:

Ambry Genetics
Classification: Uncertain significance for Hereditary cancer-predisposing syndrome. Last evaluated: 2025-08-24. Review status: criteria provided, single submitter. Criteria: Ambry Variant Classification Scheme 2023. Collection method: clinical testing. Allele origin: germline.
Comment: The p.G17D variant (also known as c.50G>A), located in coding exon 1 of the POLE gene, results from a G to A substitution at nucleotide position 50. The glycine at codon 17 is replaced by aspartic acid, an amino acid with similar properties. This amino acid position is conserved. In addition, this alteration is predicted to be tolerated by in silico analysis. Based on the available evidence, the clinical significance of this variant remains unclear.